The following is an entry in ClinVar:

NM_006005.3(WFS1):c.2622C>T (p.Ala874=)

Gene: WFS1 (wolframin ER transmembrane glycoprotein; plus strand). Cytogenetic location: 4p16.1.
Variant type: single nucleotide variant.
Coding change: c.2622C>T on transcript NM_006005.3 (MANE Select); coding-DNA position 2622, C replaced by T.
Protein change: p.Ala874=; no amino-acid change (alanine 874 retained).
Molecular consequence: synonymous variant.
Genome position (GRCh38, 1-based): chr4:6,302,417, C>T. VCF-style: chr4-6302417-C-T. GRCh37 (hg19) VCF-style: chr4-6304144-C-T.
Other names: c.2622C>T, p.Ala874= (NM_001145853.1).
Identifiers: ClinVar variation 378861 (VCV000378861.55), dbSNP rs141052196, ClinGen allele CA2839809.

ClinVar aggregate classification (germline): Benign/Likely benign. Review status: criteria provided, multiple submitters, no conflicts (2 of 4 stars). 6 submissions from 6 submitters: Benign (2); Likely benign (3). 1 of the submissions does not count toward it. Last evaluated 2026-01-15.

Conditions:
WFS1-related disorder. Identifiers: MedGen CN379391, MONDO:0700293.
Type 2 diabetes mellitus. Also called: Type II diabetes mellitus. Identifiers: MedGen C0011860, MeSH D003924, MONDO:0005148, OMIM 125853, HP:0005978.
Autosomal dominant nonsyndromic hearing loss 6 (LFSNHL). Also called: DEAFNESS, AUTOSOMAL DOMINANT 14; DEAFNESS, AUTOSOMAL DOMINANT 38; DEAFNESS, AUTOSOMAL DOMINANT 6; Autosomal dominant nonsyndromic deafness 6. Identifiers: Orphanet 90635, MedGen C1833021, MONDO:0010963, OMIM 600965.
Wolfram syndrome 1 (WFS1). Identifiers: Orphanet 3463, MedGen C4551693, MONDO:0009101, OMIM 222300.
Wolfram-like syndrome. Also called: HEARING LOSS, PROGRESSIVE, WITH OPTIC ATROPHY AND/OR IMPAIRED GLUCOSE REGULATION. Identifiers: Orphanet 411590, MedGen C3280358, MONDO:0013673, OMIM 614296.
Cataract 41 (CTRCT41). Also called: CATARACT 41, CONGENITAL NUCLEAR TYPE. Identifiers: Orphanet 91492, Orphanet 98991, Orphanet 98992, Orphanet 98995, MedGen C3805412, MONDO:0007287, OMIM 116400.

Allele frequency attached by ClinVar (database versions not stated): gnomAD exomes 0.00018; ExAC 0.00026; TOPMed 0.00068; ESP Exome Variant Server 0.00108.
gnomAD v4.1: 229 of 1,613,184 alleles (0.014%); highest among the groups gnomAD compares: African/African-American, 0.22%; 1 homozygote.

Submissions (6):

Labcorp Genetics (formerly Invitae), Labcorp
Classification: Benign. Last evaluated: 2026-01-15. Review status: criteria provided, single submitter. Criteria: Invitae Variant Classification Sherloc (09022015). Collection method: clinical testing. Allele origin: germline.

Blueprint Genetics
Classification: Likely benign. Last evaluated: 2024-02-20. Review status: criteria provided, single submitter. Criteria: ACMG Guidelines, 2015. Collection method: clinical testing. Allele origin: germline.

Fulgent Genetics
Classification: Likely benign for Cataract 41; Type 2 diabetes mellitus; Wolfram syndrome 1; Autosomal dominant nonsyndromic hearing loss 6; Wolfram-like syndrome. Last evaluated: 2021-10-30. Review status: criteria provided, single submitter. Criteria: ACMG Guidelines, 2015. Collection method: clinical testing. Allele origin: unknown.

GeneDx
Classification: Likely benign. Last evaluated: 2021-02-10. Review status: criteria provided, single submitter. Criteria: GeneDx Variant Classification Process June 2021. Collection method: clinical testing. Allele origin: germline. Affected: yes.

Clinical Genomics, Uppaluri K&H Personalized Medicine Clinic
Classification: Benign for Wolfram syndrome 1. Review status: criteria provided, single submitter. Criteria: K & H Uppaluri Personalized Medicine Clinic Variant Classification & Assertion Criteria_Updated V.1. Collection method: research. Allele origin: unknown. Inheritance: Autosomal recessive inheritance.
Comment: Potent mutations in WFS1 gene are associated with Wolfram's syndrome, an autosomal recessive condition, which cause diabetes mellitus, diabetes insipidus, deafness and optic atrophy.However no sufficient evidence is found to ascertain the role of this particular variant rs141052196 in Wolfram's syndrome yet.

PreventionGenetics, part of Exact Sciences
Classification: Likely benign for WFS1-related condition. Last evaluated: 2020-01-22. Review status: no assertion criteria provided. Collection method: clinical testing. Allele origin: germline. Not counted in ClinVar's aggregate classification.
Comment: This variant is classified as likely benign based on ACMG/AMP sequence variant interpretation guidelines (Richards et al. 2015 PMID: 25741868, with internal and published modifications).

Literature cited by the submitters: PubMed 20738327 (cited by Clinical Genomics, Uppaluri K&H Personalized Medicine Clinic); PubMed 33879153 (cited by Clinical Genomics, Uppaluri K&H Personalized Medicine Clinic); PubMed 12955714 (cited by Clinical Genomics, Uppaluri K&H Personalized Medicine Clinic); PubMed 18060660 (cited by Clinical Genomics, Uppaluri K&H Personalized Medicine Clinic); PubMed 20301750 (cited by Clinical Genomics, Uppaluri K&H Personalized Medicine Clinic); PubMed 17603484 (cited by Clinical Genomics, Uppaluri K&H Personalized Medicine Clinic).